The following is an entry in ClinVar:

ClinVar aggregate classification (germline): Uncertain significance (1 of 4 stars; one submission).

Conditions:
Catecholaminergic polymorphic ventricular tachycardia 1. Also called: RYR2-Related Catecholaminergic Polymorphic Ventricular Tachycardia; VENTRICULAR TACHYCARDIA, CATECHOLAMINERGIC POLYMORPHIC, 1, WITH OR WITHOUT ATRIAL DYSFUNCTION AND/OR DILATED CARDIOMYOPATHY; VENTRICULAR TACHYCARDIA, STRESS-INDUCED POLYMORPHIC 1. Identifiers: Orphanet 3286, MedGen C1631597, MONDO:0011484, OMIM 604772.

Allele frequency attached by ClinVar (database versions not stated): gnomAD exomes below 0.00001; gnomAD 0.00001.
gnomAD v4.1: 2 of 1,613,658 alleles (0.00012%); highest among the groups gnomAD compares: Non-Finnish European, 0.00017%; no homozygotes.

Submission:

Labcorp Genetics (formerly Invitae), Labcorp
Classification: Uncertain significance for Catecholaminergic polymorphic ventricular tachycardia 1. Last evaluated: 2025-12-06. Review status: criteria provided, single submitter. Criteria: Invitae Variant Classification Sherloc (09022015). Collection method: clinical testing. Allele origin: germline.
Comment: This sequence change replaces tyrosine, which is neutral and polar, with cysteine, which is neutral and slightly polar, at codon 362 of the RYR2 protein (p.Tyr362Cys). This variant is present in population databases (no rsID available, gnomAD 0.007%). This variant has not been reported in the literature in individuals affected with RYR2-related conditions. ClinVar contains an entry for this variant (Variation ID: 1379053). Invitae Evidence Modeling of protein sequence and biophysical properties (such as structural, functional, and spatial information, amino acid conservation, physicochemical variation, residue mobility, and thermodynamic stability) indicates that this missense variant is not expected to disrupt RYR2 protein function with a negative predictive value of 95%. In summary, the available evidence is currently insufficient to determine the role of this variant in disease. Therefore, it has been classified as a Variant of Uncertain Significance.

NM_001035.3(RYR2):c.1085A>G (p.Tyr362Cys)

Gene: RYR2 (ryanodine receptor 2; plus strand). Cytogenetic location: 1q43.
Variant type: single nucleotide variant.
Coding change: c.1085A>G on transcript NM_001035.3 (MANE Select); coding-DNA position 1085, A replaced by G.
Protein change: p.Tyr362Cys; replaces tyrosine 362 with cysteine.
Molecular consequence: missense variant.
Genome position (GRCh38, 1-based): chr1:237,441,398, A>G. VCF-style: chr1-237441398-A-G. GRCh37 (hg19) VCF-style: chr1-237604698-A-G.
Other names: short protein forms Y362C.
Identifiers: ClinVar variation 1379053 (VCV001379053.9), dbSNP rs1287712794, ClinGen allele CA345376262.